The following is an entry in ClinVar:

NM_001297.5(CNGB1):c.1028T>C (p.Met343Thr)

Gene: CNGB1 (cyclic nucleotide gated channel subunit beta 1; minus strand). Cytogenetic location: 16q21.
Variant type: single nucleotide variant.
Coding change: c.1028T>C on transcript NM_001297.5 (MANE Select); coding-DNA position 1028, T replaced by C.
Protein change: p.Met343Thr; replaces methionine 343 with threonine.
Molecular consequence: missense variant.
Genome position (GRCh38, 1-based): chr16:57,950,387, A>G on the plus strand (T>C on the coding strand, the complement: CNGB1 is on the minus strand). VCF-style: chr16-57950387-A-G. GRCh37 (hg19) VCF-style: chr16-57984291-A-G.
Other names: c.1010T>C, p.Met337Thr (NM_001286130.2); short protein forms M337T, M343T.
Identifiers: ClinVar variation 850587 (VCV000850587.16), dbSNP rs202174131, ClinGen allele CA8083600.

ClinVar aggregate classification (germline): Conflicting classifications of pathogenicity. Review status: criteria provided, conflicting classifications (1 of 4 stars). 4 submissions from 4 submitters: Uncertain significance (3); Likely benign (1). Last evaluated 2026-09-16.

Conditions:
CNGB1-related disorder. Also called: CNGB1-related condition.
Inborn genetic diseases. Identifiers: MedGen C0950123, MeSH D030342.
Retinitis pigmentosa (RP). Identifiers: Orphanet 791, MedGen C0035334, MeSH D012174, MONDO:0019200, OMIM 268000. Inheritance: Autosomal dominant, autosomal recessive and X linked inheritance.

Allele frequency attached by ClinVar (database versions not stated): ExAC 0.00006; gnomAD 0.00014 and 0.00015; 1000 Genomes Project 0.00020; TOPMed 0.00023; 1000 Genomes Project 30x 0.00031; ESP Exome Variant Server 0.00040.
gnomAD v4.1: 59 of 1,614,220 alleles (0.0037%); highest among the groups gnomAD compares: African/African-American, 0.06%; no homozygotes.

Submissions (4):

PreventionGenetics, part of Exact Sciences
Classification: Uncertain significance for CNGB1-related condition. Last evaluated: 2026-09-16. Review status: criteria provided, single submitter. Criteria: ACMG Guidelines, 2015. Collection method: clinical testing. Allele origin: germline.
Comment: The CNGB1 c.1028T>C variant is predicted to result in the amino acid substitution p.Met343Thr. To our knowledge, this variant has not been reported in the literature. This variant is reported in 0.058% of alleles in individuals of African descent in gnomAD, which may be too frequent to be a primary cause of disease. Although we suspect that this variant may be benign, at this time, the clinical significance of this variant is uncertain due to the absence of conclusive functional and genetic evidence.

Labcorp Genetics (formerly Invitae), Labcorp
Classification: Likely benign. Last evaluated: 2025-12-21. Review status: criteria provided, single submitter. Criteria: Invitae Variant Classification Sherloc (09022015). Collection method: clinical testing. Allele origin: germline.

Ambry Genetics
Classification: Uncertain significance for Inborn genetic diseases. Last evaluated: 2025-01-06. Review status: criteria provided, single submitter. Criteria: Ambry Variant Classification Scheme 2023. Collection method: clinical testing. Allele origin: germline.

Illumina Laboratory Services, Illumina
Classification: Uncertain significance for Retinitis pigmentosa. Last evaluated: 2018-01-13. Review status: criteria provided, single submitter. Criteria: ICSL Variant Classification Criteria 13 December 2019. Collection method: clinical testing. Allele origin: germline.